The following is an entry in ClinVar:

NM_004793.4(LONP1):c.2581G>A (p.Val861Ile)

Gene: LONP1 (lon peptidase 1, mitochondrial; minus strand). Cytogenetic location: 19p13.3.
Variant type: single nucleotide variant.
Coding change: c.2581G>A on transcript NM_004793.4 (MANE Select); coding-DNA position 2581, G replaced by A.
Protein change: p.Val861Ile; replaces valine 861 with isoleucine.
Molecular consequence: missense variant. On other transcripts: non-coding transcript variant (1).
Genome position (GRCh38, 1-based): chr19:5,693,420, C>T on the plus strand (G>A on the coding strand, the complement: LONP1 is on the minus strand). VCF-style: chr19-5693420-C-T. GRCh37 (hg19) VCF-style: chr19-5693431-C-T.
Other names: c.2389G>A, p.Val797Ile (NM_001276479.2); c.1993G>A, p.Val665Ile (NM_001276480.1); c.2581G>A (NM_004793.2); short protein forms V665I, V797I, V861I.
Identifiers: ClinVar variation 1723027 (VCV001723027.8), dbSNP rs375486513, ClinGen allele CA9114045.

ClinVar aggregate classification (germline): Conflicting classifications of pathogenicity. Review status: criteria provided, conflicting classifications (1 of 4 stars). 3 submissions from 3 submitters: Uncertain significance (2); Benign (1). Last evaluated 2025-04-20.

Conditions:
Inborn genetic diseases. Identifiers: MedGen C0950123, MeSH D030342.

Allele frequency attached by ClinVar (database versions not stated): gnomAD exomes 0.00003; gnomAD 0.00005; ExAC 0.00007; ESP Exome Variant Server 0.00008.
gnomAD v4.1: 52 of 1,612,504 alleles (0.0032%); highest among the groups gnomAD compares: South Asian, 0.021%; 1 homozygote.

Submissions (3):

Labcorp Genetics (formerly Invitae), Labcorp
Classification: Benign. Last evaluated: 2025-04-20. Review status: criteria provided, single submitter. Criteria: Invitae Variant Classification Sherloc (09022015). Collection method: clinical testing. Allele origin: germline.

Ambry Genetics
Classification: Uncertain significance for Inborn genetic diseases. Last evaluated: 2023-10-06. Review status: criteria provided, single submitter. Criteria: Ambry Variant Classification Scheme 2023. Collection method: clinical testing. Allele origin: germline.

GeneDx
Classification: Uncertain significance. Last evaluated: 2022-05-04. Review status: criteria provided, single submitter. Criteria: GeneDx Variant Classification Process June 2021. Collection method: clinical testing. Allele origin: germline. Affected: yes.
Comment: In silico analysis supports that this missense variant does not alter protein structure/function; Has not been previously published as pathogenic or benign to our knowledge